The following is an entry in ClinVar:

NM_000260.4(MYO7A):c.6559-2A>G

Gene: MYO7A (myosin VIIA; plus strand). Cytogenetic location: 11q13.5.
Variant type: single nucleotide variant.
Coding change: c.6559-2A>G on transcript NM_000260.4 (MANE Select); the canonical splice acceptor site of the intron before coding-DNA position 6559, A replaced by G.
Molecular consequence: splice acceptor variant.
Genome position (GRCh38, 1-based): chr11:77,214,605, A>G. VCF-style: chr11-77214605-A-G. GRCh37 (hg19) VCF-style: chr11-76925650-A-G.
Other names: c.6412-2A>G (NM_001369365.1); c.6439-2A>G (NM_001127180.2).
Identifiers: ClinVar variation 3601498 (VCV003601498.1).

ClinVar aggregate classification (germline): Pathogenic (1 of 4 stars; one submission).

Conditions:
Autosomal dominant nonsyndromic hearing loss 11. Identifiers: Orphanet 90635, MedGen C1832475, MONDO:0011032, OMIM 601317.

Submission:

Institute of Rare Diseases, West China Hospital, Sichuan University
Classification: Pathogenic for Autosomal dominant nonsyndromic hearing loss 11. Last evaluated: 2025-01-09. Review status: criteria provided, single submitter. Criteria: ClinGen HL ACMG Specifications v1. Collection method: research. Allele origin: germline. Affected: yes.
Comment: PVS1;PM3;PP1;PM2_Supporting